The following is an entry in ClinVar:

NM_182943.3(PLOD2):c.2104G>T (p.Val702Leu)

Gene: PLOD2 (procollagen-lysine,2-oxoglutarate 5-dioxygenase 2; minus strand). Cytogenetic location: 3q24.
Variant type: single nucleotide variant.
Coding change: c.2104G>T on transcript NM_182943.3 (MANE Select); coding-DNA position 2104, G replaced by T.
Protein change: p.Val702Leu; replaces valine 702 with leucine.
Molecular consequence: missense variant.
Genome position (GRCh38, 1-based): chr3:146,071,059, C>A on the plus strand (G>T on the coding strand, the complement: PLOD2 is on the minus strand). VCF-style: chr3-146071059-C-A. GRCh37 (hg19) VCF-style: chr3-145788846-C-A.
Other names: c.2041G>T, p.Val681Leu (NM_000935.3); c.2041G>T (NM_000935.2); short protein forms V681L, V702L.
Identifiers: ClinVar variation 1330599 (VCV001330599.8), dbSNP rs780062874, ClinGen allele CA2654685.

ClinVar aggregate classification (germline): Uncertain significance. Review status: criteria provided, multiple submitters, no conflicts (2 of 4 stars). 2 submissions from 2 submitters: Uncertain significance (2). Last evaluated 2025-06-08.

Conditions:
Inborn genetic diseases. Identifiers: MedGen C0950123, MeSH D030342.
Bruck syndrome 2 (BRKS2). Also called: OSTEOGENESIS IMPERFECTA WITH CONGENITAL JOINT CONTRACTURES. Identifiers: Orphanet 2771, MedGen C1836602, MONDO:0012217, OMIM 609220.

gnomAD v4.1: 30 of 1,607,456 alleles (0.0019%); highest among the groups gnomAD compares: Non-Finnish European, 0.0025%; no homozygotes.

Submissions (2):

Ambry Genetics
Classification: Uncertain significance for Inborn genetic diseases. Last evaluated: 2025-06-08. Review status: criteria provided, single submitter. Criteria: Ambry Variant Classification Scheme 2023. Collection method: clinical testing. Allele origin: germline.

ARUP Laboratories, Molecular Genetics and Genomics, ARUP Laboratories
Classification: Uncertain significance for Bruck syndrome 2. Last evaluated: 2021-09-01. Review status: criteria provided, single submitter. Criteria: ARUP Molecular Germline Variant Investigation Process 2021. Collection method: clinical testing. Allele origin: germline.
Comment: The PLOD2 c.2104G>T; p.Val702Leu variant (rs780062874), to our knowledge, is not reported in the medical literature or in gene-specific databases. It is observed in the European population at an overall frequency of 0.002% (3/127764 alleles) in the Genome Aggregation Database. The valine at codon 702 is weakly conserved, but computational analyses are uncertain whether this variant is neutral or deleterious (REVEL: 0.159). Due to limited information, the clinical significance of the p.Val702Leu variant is uncertain at this time.